The following is an entry in ClinVar:

NM_002471.4(MYH6):c.50G>A (p.Arg17His)

Genes: MYH6 (myosin heavy chain 6; minus strand), LOC114827851 (VISTA enhancer hs2155; plus strand). Cytogenetic location: 14q11.2.
Variant type: single nucleotide variant.
Coding change: c.50G>A on transcript NM_002471.4 (MANE Select); coding-DNA position 50, G replaced by A.
Protein change: p.Arg17His; replaces arginine 17 with histidine.
Molecular consequence: missense variant.
Genome position (GRCh38, 1-based): chr14:23,407,174, C>T on the plus strand (G>A on the coding strand, the complement: MYH6 is on the minus strand). VCF-style: chr14-23407174-C-T. GRCh37 (hg19) VCF-style: chr14-23876383-C-T.
Other names: short protein forms R17H.
Identifiers: ClinVar variation 2904393 (VCV002904393.3), dbSNP rs746646172, ClinGen allele CA7116275.
Genomic context (GRCh38, chr14:23,407,174, plus strand): 5'-CACTCAGTGCGAATGTCAAAGGGCCGGGTCTGGGCCTCTAGACGCTCCTTCTCTGACTTG[C>T]GGAGGTACTGGGCCGCTGCCCCAAAGTCAGCCATCTGGGCATCGGTCATCTTGGTGCTTC-3'
Protein context (NP_002462.2, residues 7-27): ADFGAAAQYL[Arg17His]KSEKERLEAQ

ClinVar aggregate classification (germline): Uncertain significance (1 of 4 stars; one submission).

Conditions:
Hypertrophic cardiomyopathy 14. Identifiers: MedGen C2750467, MONDO:0013197, OMIM 613251.

Allele frequency attached by ClinVar (database versions not stated): ExAC 0.00001; gnomAD 0.00001.
gnomAD v4.1: 17 of 1,614,130 alleles (0.0011%); highest among the groups gnomAD compares: Admixed American, 0.0033%; no homozygotes.

Submission:

Labcorp Genetics (formerly Invitae), Labcorp
Classification: Uncertain significance for Hypertrophic cardiomyopathy 14. Last evaluated: 2024-05-07. Review status: criteria provided, single submitter. Criteria: Invitae Variant Classification Sherloc (09022015). Collection method: clinical testing. Allele origin: germline.
Comment: This sequence change replaces arginine, which is basic and polar, with histidine, which is basic and polar, at codon 17 of the MYH6 protein (p.Arg17His). This variant is present in population databases (rs746646172, gnomAD 0.003%). This missense change has been observed in individual(s) with atrial septal defect (PMID: 22194935). Advanced modeling of protein sequence and biophysical properties (such as structural, functional, and spatial information, amino acid conservation, physicochemical variation, residue mobility, and thermodynamic stability) performed at Invitae indicates that this missense variant is expected to disrupt MYH6 protein function with a positive predictive value of 80%. In summary, the available evidence is currently insufficient to determine the role of this variant in disease. Therefore, it has been classified as a Variant of Uncertain Significance.

Literature cited by the submitters: PubMed 22194935.